The following is an entry in ClinVar:

ClinVar aggregate classification (germline): Pathogenic/Likely pathogenic. Review status: criteria provided, multiple submitters, no conflicts (2 of 4 stars). 10 submissions from 10 submitters: Pathogenic (5); Likely pathogenic (4). 1 of the submissions does not count toward it. Last evaluated 2025-08-12.

Conditions:
ANKRD26-related disorder. Also called: ANKRD26-related condition.
Hereditary cancer-predisposing syndrome. Also called: Neoplastic Syndromes, Hereditary; Tumor predisposition; Hereditary Cancer Syndrome; Hereditary neoplastic syndrome. Identifiers: Orphanet 140162, MedGen C0027672, MeSH D009386, MONDO:0015356.
Thrombocytopenia 2 (THC2). Also called: ANKRD26-Related Thrombocytopenia. Identifiers: Orphanet 268322, MedGen C1861185, MONDO:0008555, OMIM 188000.
Thrombocytopenia. Identifiers: MedGen C0040034, MeSH D013921, MONDO:0002049, HP:0001873.

Submissions (10):

Victorian Clinical Genetics Services, Murdoch Childrens Research Institute
Classification: Pathogenic for Thrombocytopenia 2. Last evaluated: 2025-08-12. Review status: criteria provided, single submitter. Criteria: ACMG Guidelines, 2015. Collection method: clinical testing. Allele origin: germline. Affected: no.
Comment: This variant is classified as Pathogenic. Evidence in support of pathogenic classification: Non-coding variant with predicted effect. Mutagenesis studies showed this variant interferes with protein expression and affects megakaryopoiesis and platelet production (PMID:21211618); Variant is absent from gnomAD (v2, v3 and v4); This variant has very strong previous evidence of pathogenicity in unrelated individuals. This variant has been reported as pathogenic and likely pathogenic by clinical laboratories in ClinVar, and has been reported in individual's with thrombocytopenia (PMIDs: 21211618, 26175287, 35796010); Variant is located in a hotspot region or cluster of PATHOGENIC variants. This variant is located within a short stretch of nucleotides in the 5'UTR region, where the majority of pathogenic ANKRD26 variants are located (PMID: 35587581). Additional information: This gene is associated with autosomal dominant disease; Gain of function is a known mechanism of disease in this gene and is associated with thrombocytopenia 2 (MIM#188000) (PMID: 35587581).

Labcorp Genetics (formerly Invitae), Labcorp
Classification: Pathogenic. Last evaluated: 2025-05-07. Review status: criteria provided, single submitter. Criteria: Invitae Variant Classification Sherloc (09022015). Collection method: clinical testing. Allele origin: germline.
Comment: This variant occurs in a non-coding region of the ANKRD26 gene. It does not change the encoded amino acid sequence of the ANKRD26 protein. This variant is not present in population databases (gnomAD no frequency). This variant has been observed in individual(s) with familial thrombocytopenia (PMID: 21211618, 26175287, 26884589, 28277066, 31064749). It has also been observed to segregate with disease in related individuals. ClinVar contains an entry for this variant (Variation ID: 30853). Studies have shown that this variant alters ANKRD26 gene expression (PMID: 21211618). For these reasons, this variant has been classified as Pathogenic.

Molecular Pathology, Peter Maccallum Cancer Centre
Classification: Likely pathogenic for Hereditary cancer-predisposing syndrome. Last evaluated: 2024-08-30. Review status: criteria provided, single submitter. Criteria: ACMG Guidelines, 2015. Collection method: clinical testing. Allele origin: germline.

Blueprint Genetics
Classification: Pathogenic for ANKRD26-related disorders. Last evaluated: 2024-07-10. Review status: criteria provided, single submitter. Criteria: ACMG Guidelines, 2015. Collection method: clinical testing. Allele origin: germline. Affected: yes. Observed: 5 variant alleles.

Mayo Clinic Laboratories, Mayo Clinic
Classification: Pathogenic. Last evaluated: 2024-06-05. Review status: criteria provided, single submitter. Criteria: ACMG Guidelines, 2015. Collection method: clinical testing. Allele origin: germline. Observed: 1 variant allele.
Comment: PP1_strong, PM1, PM2_moderate, PS3_moderate, PS4_moderate

CeGaT Center for Human Genetics Tuebingen
Classification: Pathogenic. Last evaluated: 2024-03-01. Review status: criteria provided, single submitter. Criteria: CeGaT Center For Human Genetics Tuebingen Variant Classification Criteria Version 2. Collection method: clinical testing. Allele origin: germline. Affected: yes. Observed: 2 variant alleles.
Comment: ANKRD26: PP1:Strong, PM1, PM2, PS4:Moderate, PP4, PS3:Supporting

Genetics and Molecular Pathology, SA Pathology
Classification: Likely pathogenic for Thrombocytopenia 2. Last evaluated: 2021-11-02. Review status: criteria provided, single submitter. Criteria: ACMG Guidelines, 2015. Collection method: clinical testing. Allele origin: germline. Inheritance: Autosomal dominant inheritance. Affected: yes.

NIHR Bioresource Rare Diseases, University of Cambridge
Classification: Likely pathogenic for Thrombocytopenia. Last evaluated: 2019-02-01. Review status: criteria provided, single submitter. Criteria: ACMG Guidelines, 2015. Collection method: research. Allele origin: unknown. Affected: yes. Observed: 1 heterozygote. Study: ThromboGenomics.

ISTH-SSC Genomics in Thrombosis and Hemostasis, KU Leuven, Center for Molecular and Vascular Biology
Classification: Likely pathogenic for Thrombocytopenia 2. Review status: criteria provided, single submitter. Criteria: ACMG Guidelines, 2015. Collection method: clinical testing. Allele origin: germline. Affected: yes. Observed: 1 heterozygote.
Comment: Submitted to the GoldVariant database by Kathleen Freson, Center for Molecular and Vascular Biology

OMIM
Classification: Pathogenic for THROMBOCYTOPENIA 2. Last evaluated: 2011-01-07. Review status: no assertion criteria provided. Collection method: literature only. Allele origin: germline. Not counted in ClinVar's aggregate classification.

Literature cited by the submitters: PubMed 35587581 (cited by Victorian Clinical Genetics Services, Murdoch Childrens Research Institute and Mayo Clinic Laboratories, Mayo Clinic); PubMed 35796010 (cited by Victorian Clinical Genetics Services, Murdoch Childrens Research Institute and Mayo Clinic Laboratories, Mayo Clinic); PubMed 21211618 (cited by 4 submitters); PubMed 26175287 (cited by Victorian Clinical Genetics Services, Murdoch Childrens Research Institute and Labcorp Genetics (formerly Invitae), Labcorp); PubMed 26884589 (cited by Labcorp Genetics (formerly Invitae), Labcorp); PubMed 28277066 (cited by Labcorp Genetics (formerly Invitae), Labcorp and Mayo Clinic Laboratories, Mayo Clinic); PubMed 31064749 (cited by 3 submitters); PubMed 10521306 (cited by Mayo Clinic Laboratories, Mayo Clinic and OMIM); PubMed 21467542 (cited by Mayo Clinic Laboratories, Mayo Clinic); PubMed 32659145 (cited by Mayo Clinic Laboratories, Mayo Clinic); PubMed 35295078 (cited by Mayo Clinic Laboratories, Mayo Clinic); PubMed 20626622 (cited by OMIM).

NM_014915.3(ANKRD26):c.-134G>A

Gene: ANKRD26 (ankyrin repeat domain 26; minus strand). Cytogenetic location: 10p12.1.
Variant type: single nucleotide variant.
Coding change: c.-134G>A on transcript NM_014915.3 (MANE Select); 134 bases upstream of the start codon, G replaced by A.
Molecular consequence: 5 prime UTR variant.
Genome position (GRCh38, 1-based): chr10:27,100,460, C>T on the plus strand (G>A on the coding strand, the complement: ANKRD26 is on the minus strand). VCF-style: chr10-27100460-C-T. GRCh37 (hg19) VCF-style: chr10-27389389-C-T.
Other names: p.?; -134G-A; c.-134G>A (NM_001256053.2).
Identifiers: ClinVar variation 30853 (VCV000030853.46), dbSNP rs863223318, ClinGen allele CA278902.
Genomic context (GRCh38, chr10:27,100,460, plus strand): 5'-CAAGTCAGCCCCGGCTGGCCGCAGCCTCCCAAAGGAAACTCCGCGGTTTCCAATCTCTCC[C>T]TCCGGGTTACCAAGCAAGCGATCCCGCTAGACACAAGTGCGCATGCGCACCTCAGATGGC-3'